The following is an entry in ClinVar:

NM_001375834.1(WIPF1):c.1181C>T (p.Ala394Val)

Gene: WIPF1 (WAS/WASL interacting protein family member 1; minus strand). Cytogenetic location: 2q31.1.
Variant type: single nucleotide variant.
Coding change: c.1181C>T on transcript NM_001375834.1 (MANE Select); coding-DNA position 1181, C replaced by T.
Protein change: p.Ala394Val; replaces alanine 394 with valine.
Molecular consequence: missense variant.
Genome position (GRCh38, 1-based): chr2:174,568,022, G>A on the plus strand (C>T on the coding strand, the complement: WIPF1 is on the minus strand). VCF-style: chr2-174568022-G-A. GRCh37 (hg19) VCF-style: chr2-175432750-G-A.
Other names: c.1181C>T, p.Ala394Val (NM_001077269.1, NM_001375832.1, NM_001375833.1 and 2 more transcripts); c.803C>T, p.Ala268Val (NM_001375839.1); short protein forms A268V, A394V.
Identifiers: ClinVar variation 2856858 (VCV002856858.3), dbSNP rs2468457913, ClinGen allele CA349337256.

ClinVar aggregate classification (germline): Uncertain significance (1 of 4 stars; one submission).

Conditions:
Wiskott-Aldrich syndrome 2 (WAS2). Also called: WIPF1 DEFICIENCY. Identifiers: Orphanet 906, MedGen C3281001, MONDO:0013779, OMIM 614493.

Submission:

Labcorp Genetics (formerly Invitae), Labcorp
Classification: Uncertain significance for Wiskott-Aldrich syndrome 2. Last evaluated: 2023-04-16. Review status: criteria provided, single submitter. Criteria: Invitae Variant Classification Sherloc (09022015). Collection method: clinical testing. Allele origin: germline.
Comment: In summary, the available evidence is currently insufficient to determine the role of this variant in disease. Therefore, it has been classified as a Variant of Uncertain Significance. An algorithm developed to predict the effect of missense changes on protein structure and function (PolyPhen-2) suggests that this variant is likely to be disruptive. This variant has not been reported in the literature in individuals affected with WIPF1-related conditions. This variant is not present in population databases (gnomAD no frequency). This sequence change replaces alanine, which is neutral and non-polar, with valine, which is neutral and non-polar, at codon 394 of the WIPF1 protein (p.Ala394Val).